The following is an entry in ClinVar:

NM_021956.5(GRIK2):c.1212G>A (p.Thr404=)

Gene: GRIK2 (glutamate ionotropic receptor kainate type subunit 2; plus strand). Cytogenetic location: 6q16.3.
Variant type: single nucleotide variant.
Coding change: c.1212G>A on transcript NM_021956.5 (MANE Select); coding-DNA position 1212, G replaced by A.
Protein change: p.Thr404=; no amino-acid change (threonine 404 retained).
Molecular consequence: synonymous variant.
Genome position (GRCh38, 1-based): chr6:101,818,378, G>A. VCF-style: chr6-101818378-G-A. GRCh37 (hg19) VCF-style: chr6-102266253-G-A.
Other names: c.1212G>A, p.Thr404= (NM_001166247.1, NM_175768.3).
Identifiers: ClinVar variation 2656793 (VCV002656793.25), dbSNP rs372157937, ClinGen allele CA3939550.

ClinVar aggregate classification (germline): Likely benign. Review status: criteria provided, multiple submitters, no conflicts (2 of 4 stars). 2 submissions from 2 submitters: Likely benign (2). Last evaluated 2022-12-01.

Allele frequency attached by ClinVar (database versions not stated): TOPMed 0.00004; ExAC 0.00007; gnomAD 0.00007; ESP Exome Variant Server 0.00015.
gnomAD v4.1: 38 of 1,589,234 alleles (0.0024%); highest among the groups gnomAD compares: African/African-American, 0.0081%; no homozygotes.

Submissions (2):

CeGaT Center for Human Genetics Tuebingen
Classification: Likely benign. Last evaluated: 2022-12-01. Review status: criteria provided, single submitter. Criteria: CeGaT Center For Human Genetics Tuebingen Variant Classification Criteria Version 2. Collection method: clinical testing. Allele origin: germline. Affected: yes. Observed: 1 variant allele.
Comment: GRIK2: BP4, BP7

Blueprint Genetics
Classification: Likely benign. Last evaluated: 2022-05-24. Review status: criteria provided, single submitter. Criteria: ACMG Guidelines, 2015. Collection method: clinical testing. Allele origin: germline.